The following is an entry in ClinVar:

ClinVar aggregate classification (germline): Benign/Likely benign. Review status: criteria provided, multiple submitters, no conflicts (2 of 4 stars). 5 submissions from 5 submitters: Benign (2); Likely benign (3). Last evaluated 2026-08-01.

Conditions:
Growth delay due to insulin-like growth factor type 1 deficiency (IGF1D). Also called: GROWTH RETARDATION WITH SENSORINEURAL DEAFNESS AND MENTAL RETARDATION; IGF1 DEFICIENCY. Identifiers: Orphanet 73272, MedGen C1837475, MONDO:0012110, OMIM 608747.

Allele frequency attached by ClinVar (database versions not stated): 1000 Genomes Project 0.00379; gnomAD 0.00387 and 0.00417; ESP Exome Variant Server 0.00415; TOPMed 0.00455; 1000 Genomes Project 30x 0.00468.
gnomAD v4.1: 1,223 of 1,613,948 alleles (0.076%); highest among the groups gnomAD compares: African/African-American, 1.4%; 12 homozygotes.

Submissions (5):

CeGaT Center for Human Genetics Tuebingen
Classification: Likely benign. Last evaluated: 2026-08-01. Review status: criteria provided, single submitter. Criteria: CeGaT Center For Human Genetics Tuebingen Variant Classification Criteria Version 2. Collection method: clinical testing. Allele origin: germline. Affected: yes. Observed: 4 variant alleles.
Comment: IGF1: BP4, BS1

Women's Health and Genetics/Laboratory Corporation of America, LabCorp
Classification: Likely benign. Last evaluated: 2026-06-03. Review status: criteria provided, single submitter. Criteria: LabCorp Variant Classification Summary - May 2015. Collection method: clinical testing. Allele origin: germline.
Comment: Variant summary: IGF1 c.343G>A (p.Ala115Thr) results in a non-conservative amino acid change in the encoded protein sequence. Algorithms developed to predict the effect of missense changes on protein structure and function are either unavailable or do not agree on the potential impact of this missense change. The variant allele was found at a frequency of 0.0011 in 250976 control chromosomes, predominantly at a frequency of 0.015 within the African or African-American subpopulation in the gnomAD database, including 3 homozygotes. The observed variant frequency within African or African-American control individuals in the gnomAD database exceeds the estimated maximal expected allele frequency for disease-causing variants in IGF1. To our knowledge, no occurrence of c.343G>A in individuals affected with IGF1-related conditions and no experimental evidence demonstrating its impact on protein function have been reported. ClinVar contains an entry for this variant (Variation ID: 776740). Based on the evidence outlined above, the variant was classified as likely benign.

Labcorp Genetics (formerly Invitae), Labcorp
Classification: Benign. Last evaluated: 2025-12-19. Review status: criteria provided, single submitter. Criteria: Invitae Variant Classification Sherloc (09022015). Collection method: clinical testing. Allele origin: germline.

Blueprint Genetics
Classification: Likely benign. Last evaluated: 2024-10-16. Review status: criteria provided, single submitter. Criteria: ACMG Guidelines, 2015. Collection method: clinical testing. Allele origin: germline.

Illumina Laboratory Services, Illumina
Classification: Benign for Growth delay due to insulin-like growth factor type 1 deficiency. Last evaluated: 2017-04-27. Review status: criteria provided, single submitter. Criteria: ICSL Variant Classification Criteria 13 December 2019. Collection method: clinical testing. Allele origin: germline.
Comment: This variant was observed as part of a predisposition screen in an ostensibly healthy population. A literature search was performed for the gene, cDNA change, and amino acid change (where applicable). Publications were found based on this search. The evidence from the literature, in combination with allele frequency data from public databases where available, was sufficient to rule this variant out of causing disease. Therefore, this variant is classified as benign.

Literature cited by the submitters: PubMed 19240240 (cited by Illumina Laboratory Services, Illumina); PubMed 24664114 (cited by Illumina Laboratory Services, Illumina).

NM_000618.5(IGF1):c.343G>A (p.Ala115Thr)

Genes: IGF1 (insulin like growth factor 1; minus strand), LINC02456 (long independently transcribed non-coding RNA 2456; plus strand). Cytogenetic location: 12q23.2.
Variant type: single nucleotide variant.
Coding change: c.343G>A on transcript NM_000618.5 (MANE Select); coding-DNA position 343, G replaced by A.
Protein change: p.Ala115Thr; replaces alanine 115 with threonine.
Molecular consequence: missense variant.
Genome position (GRCh38, 1-based): chr12:102,419,568, C>T on the plus strand (G>A on the coding strand, the complement: IGF1 is on the minus strand). VCF-style: chr12-102419568-C-T. GRCh37 (hg19) VCF-style: chr12-102813346-C-T.
Other names: c.343G>A, p.Ala115Thr (NM_001111283.3, NM_001111285.3); c.295G>A, p.Ala99Thr (NM_001111284.2); short protein forms A115T, A99T.
Identifiers: ClinVar variation 776740 (VCV000776740.39), dbSNP rs17884626, ClinGen allele CA6748564.